The following is an entry in ClinVar:

NM_144997.7(FLCN):c.735A>C (p.Thr245=)

Gene: FLCN (folliculin; minus strand). Cytogenetic location: 17p11.2.
Variant type: single nucleotide variant.
Coding change: c.735A>C on transcript NM_144997.7 (MANE Select); coding-DNA position 735, A replaced by C.
Protein change: p.Thr245=; no amino-acid change (threonine 245 retained).
Molecular consequence: synonymous variant.
Genome position (GRCh38, 1-based): chr17:17,222,545, T>G on the plus strand (A>C on the coding strand, the complement: FLCN is on the minus strand). VCF-style: chr17-17222545-T-G. GRCh37 (hg19) VCF-style: chr17-17125859-T-G.
Other names: c.735A>C (NM_144997.6, LRG_325t1); c.789A>C, p.Thr263= (NM_001353229.2); c.735A>C, p.Thr245= (NM_001353230.2, NM_001353231.2, NM_144606.7).
Identifiers: ClinVar variation 241930 (VCV000241930.20), dbSNP rs150175875, ClinGen allele CA8416326.

ClinVar aggregate classification (germline): Benign/Likely benign. Review status: criteria provided, multiple submitters, no conflicts (2 of 4 stars). 6 submissions from 6 submitters: Benign (3); Likely benign (2). 1 of the submissions does not count toward it. Last evaluated 2026-01-05.

Conditions:
FLCN-related disorder. Also called: FLCN-related condition.
Birt-Hogg-Dube syndrome 1 (BHD1). Also called: FIBROFOLLICULOMAS WITH TRICHODISCOMAS AND ACROCHORDONS. Identifiers: Orphanet 122, MedGen CN375946, MONDO:0800445, OMIM 135150.
Hereditary cancer-predisposing syndrome. Also called: Hereditary Cancer Syndrome; Tumor predisposition; Hereditary neoplastic syndrome; Neoplastic Syndromes, Hereditary. Identifiers: Orphanet 140162, MedGen C0027672, MeSH D009386, MONDO:0015356.
Birt-Hogg-Dube syndrome. Also called: Birt Hogg Dubé syndrome. Identifiers: Orphanet 122, MedGen C0346010, MONDO:0800444.

Allele frequency attached by ClinVar (database versions not stated): ESP Exome Variant Server 0.00015; TOPMed 0.00022; gnomAD 0.00032.

Submissions (6):

Labcorp Genetics (formerly Invitae), Labcorp
Classification: Benign for Birt-Hogg-Dube syndrome. Last evaluated: 2026-01-05. Review status: criteria provided, single submitter. Criteria: Invitae Variant Classification Sherloc (09022015). Collection method: clinical testing. Allele origin: germline.

Myriad Genetics, Inc.
Classification: Benign for Birt-Hogg-Dube syndrome 1. Last evaluated: 2024-10-23. Review status: criteria provided, single submitter. Criteria: Myriad Autosomal Dominant, Autosomal Recessive and X-Linked Classification Criteria (2023). Collection method: clinical testing. Allele origin: unknown.
Comment: This variant is considered benign. This variant is a silent/synonymous amino acid change and it is not expected to impact splicing.

Blueprint Genetics
Classification: Likely benign. Last evaluated: 2024-01-18. Review status: criteria provided, single submitter. Criteria: ACMG Guidelines, 2015. Collection method: clinical testing. Allele origin: germline.

Quest Diagnostics Nichols Institute San Juan Capistrano
Classification: Benign. Last evaluated: 2022-03-24. Review status: criteria provided, single submitter. Criteria: Quest Diagnostics criteria. Collection method: clinical testing. Allele origin: unknown.

Ambry Genetics
Classification: Likely benign for Hereditary cancer-predisposing syndrome. Last evaluated: 2015-12-21. Review status: criteria provided, single submitter. Criteria: Ambry Variant Classification Scheme 2023. Collection method: clinical testing. Allele origin: germline.

PreventionGenetics, part of Exact Sciences
Classification: Likely benign for FLCN-related condition. Last evaluated: 2021-11-15. Review status: no assertion criteria provided. Collection method: clinical testing. Allele origin: germline. Not counted in ClinVar's aggregate classification.
Comment: This variant is classified as likely benign based on ACMG/AMP sequence variant interpretation guidelines (Richards et al. 2015 PMID: 25741868, with internal and published modifications).